The following is an entry in ClinVar:

NM_004646.4(NPHS1):c.1022G>C (p.Ser341Thr)

Gene: NPHS1 (NPHS1 adhesion molecule, nephrin; minus strand). Cytogenetic location: 19q13.12.
Variant type: single nucleotide variant.
Coding change: c.1022G>C on transcript NM_004646.4 (MANE Select); coding-DNA position 1022, G replaced by C.
Protein change: p.Ser341Thr; replaces serine 341 with threonine.
Molecular consequence: missense variant.
Genome position (GRCh38, 1-based): chr19:35,848,785, C>G on the plus strand (G>C on the coding strand, the complement: NPHS1 is on the minus strand). VCF-style: chr19-35848785-C-G. GRCh37 (hg19) VCF-style: chr19-36339687-C-G.
Other names: short protein forms S341T.
Identifiers: ClinVar variation 1049834 (VCV001049834.1), dbSNP rs976105039, ClinGen allele CA307787517.

ClinVar aggregate classification (germline): Uncertain significance (0 of 4 stars; one submission).

Allele frequency attached by ClinVar (database versions not stated): gnomAD exomes below 0.00001; TOPMed 0.00002.
gnomAD v4.1: 1 of 1,614,158 alleles (0.000062%); highest among the groups gnomAD compares: Non-Finnish European, 0.000085%; no homozygotes.

Submission:

Department of Pathology and Laboratory Medicine, Sinai Health System
Classification: Uncertain significance. Review status: no assertion criteria provided. Collection method: clinical testing. Allele origin: unknown. Affected: yes. Study: The Canadian Open Genetics Repository (COGR).
Comment: The NPHS1 p.Ser341Thr variant was not identified in the literature nor was it identified in ClinVar. The variant was identified in dbSNP (ID: rs976105039) but was not identified in the following control databases: the 1000 Genomes Project, the NHLBI GO Exome Sequencing Project, or the Genome Aggregation Database (March 6, 2019, v2.1.1). The p.Ser341 residue is conserved in mammals but not in more distantly related organisms however computational analyses (PolyPhen-2, SIFT, AlignGVGD, BLOSUM, MutationTaster) do not suggest a high likelihood of impact to the protein; this information is not predictive enough to rule out pathogenicity. The variant occurs outside of the splicing consensus sequence and 3 of 4 in silico or computational prediction software programs (SpliceSiteFinder, MaxEntScan, NNSPLICE, GeneSplicer) predict a greater than 10% difference in splicing. However, this has not been confirmed by RNA analysis and is not predictive enough to assume pathogenicity. In summary, based on the above information the clinical significance of this variant cannot be determined with certainty at this time. This variant is classified as a variant of uncertain significance.